The following is an entry in ClinVar:

NM_031407.7(HUWE1):c.9913C>T (p.Arg3305Cys)

Gene: HUWE1 (HECT, UBA and WWE domain containing E3 ubiquitin protein ligase 1; minus strand). Cytogenetic location: Xp11.22.
Variant type: single nucleotide variant.
Coding change: c.9913C>T on transcript NM_031407.7 (MANE Select); coding-DNA position 9913, C replaced by T.
Protein change: p.Arg3305Cys; replaces arginine 3305 with cysteine.
Molecular consequence: missense variant.
Genome position (GRCh38, 1-based): chrX:53,549,081, G>A on the plus strand (C>T on the coding strand, the complement: HUWE1 is on the minus strand). VCF-style: chrX-53549081-G-A. GRCh37 (hg19) VCF-style: chrX-53576042-G-A.
Other names: short protein forms R3305C.
Identifiers: ClinVar variation 2660616 (VCV002660616.24), dbSNP rs2523215026, ClinGen allele CA413137166.
Genomic context (GRCh38, chrX:53,549,081, plus strand): 5'-GGATGTGGACGGTGGAGCCACCGCTTGCATGCTTCTCGGTATGTTTACGCCCCCCTGAAC[G>A]CTGGATCTGAAATATATTAGTCCTGCAGCCTAGGGCTGCATCCATGGATACTGAGAGCCA-3'
Protein context (NP_113584.3, residues 3295-3315): GCRTNIFQIQ[Arg3305Cys]SGGRKHTEKH

ClinVar aggregate classification (germline): Uncertain significance (1 of 4 stars; one submission).

Submission:

CeGaT Center for Human Genetics Tuebingen
Classification: Uncertain significance. Last evaluated: 2023-07-01. Review status: criteria provided, single submitter. Criteria: CeGaT Center For Human Genetics Tuebingen Variant Classification Criteria Version 2. Collection method: clinical testing. Allele origin: germline. Affected: yes. Observed: 1 variant allele.
Comment: HUWE1: PM2, PP2